The following is an entry in ClinVar:

ClinVar aggregate classification (germline): Uncertain significance (1 of 4 stars; one submission).

gnomAD v4.1: 1 of 1,611,920 alleles (0.000062%); highest among the groups gnomAD compares: South Asian, 0.0011%; no homozygotes.

Submission:

Labcorp Genetics (formerly Invitae), Labcorp
Classification: Uncertain significance. Last evaluated: 2024-12-03. Review status: criteria provided, single submitter. Criteria: Invitae Variant Classification Sherloc (09022015). Collection method: clinical testing. Allele origin: germline.
Comment: This sequence change replaces glycine, which is neutral and non-polar, with valine, which is neutral and non-polar, at codon 742 of the COL11A1 protein (p.Gly742Val). This variant is present in population databases (no rsID available, gnomAD 0.003%). This variant has not been reported in the literature in individuals affected with COL11A1-related conditions. Invitae Evidence Modeling of protein sequence and biophysical properties (such as structural, functional, and spatial information, amino acid conservation, physicochemical variation, residue mobility, and thermodynamic stability) indicates that this missense variant is expected to disrupt COL11A1 protein function with a positive predictive value of 80%. Algorithms developed to predict the effect of sequence changes on RNA splicing suggest that this variant may disrupt the consensus splice site. In summary, the available evidence is currently insufficient to determine the role of this variant in disease. Therefore, it has been classified as a Variant of Uncertain Significance.

NM_001854.4(COL11A1):c.2225G>T (p.Gly742Val)

Gene: COL11A1 (collagen type XI alpha 1 chain; minus strand). Cytogenetic location: 1p21.1.
Variant type: single nucleotide variant.
Coding change: c.2225G>T on transcript NM_001854.4 (MANE Select); coding-DNA position 2225, G replaced by T.
Protein change: p.Gly742Val; replaces glycine 742 with valine.
Molecular consequence: missense variant. On other transcripts: non-coding transcript variant (1).
Genome position (GRCh38, 1-based): chr1:102,997,096, C>A on the plus strand (G>T on the coding strand, the complement: COL11A1 is on the minus strand). VCF-style: chr1-102997096-C-A. GRCh37 (hg19) VCF-style: chr1-103462652-C-A.
Other names: c.2108G>T, p.Gly703Val (NM_001190709.2); c.2261G>T, p.Gly754Val (NM_080629.3); c.1877G>T, p.Gly626Val (NM_080630.4); short protein forms G703V, G742V, G626V, G754V.
Identifiers: ClinVar variation 3665741 (VCV003665741.2).